The following is an entry in ClinVar:

NM_001852.4(COL9A2):c.338C>T (p.Pro113Leu)

Genes: COL9A2 (collagen type IX alpha 2 chain; minus strand), LOC129930257 (ATAC-STARR-seq lymphoblastoid active region 840; plus strand). Cytogenetic location: 1p34.2.
Variant type: single nucleotide variant.
Coding change: c.338C>T on transcript NM_001852.4 (MANE Select); coding-DNA position 338, C replaced by T.
Protein change: p.Pro113Leu; replaces proline 113 with leucine.
Molecular consequence: missense variant.
Genome position (GRCh38, 1-based): chr1:40,312,575, G>A on the plus strand (C>T on the coding strand, the complement: COL9A2 is on the minus strand). VCF-style: chr1-40312575-G-A. GRCh37 (hg19) VCF-style: chr1-40778247-G-A.
Other names: short protein forms P113L.
Identifiers: ClinVar variation 1974080 (VCV001974080.6), dbSNP rs763825965, ClinGen allele CA792009.

ClinVar aggregate classification (germline): Uncertain significance. Review status: criteria provided, multiple submitters, no conflicts (2 of 4 stars). 2 submissions from 2 submitters: Uncertain significance (2). Last evaluated 2025-08-05.

Conditions:
Inborn genetic diseases. Identifiers: MedGen C0950123, MeSH D030342.

Allele frequency attached by ClinVar (database versions not stated): TOPMed 0.00002; ExAC 0.00003; gnomAD exomes 0.00003; gnomAD 0.00004.
gnomAD v4.1: 44 of 1,613,966 alleles (0.0027%); highest among the groups gnomAD compares: African/African-American, 0.0053%; no homozygotes.

Submissions (2):

Labcorp Genetics (formerly Invitae), Labcorp
Classification: Uncertain significance. Last evaluated: 2025-08-05. Review status: criteria provided, single submitter. Criteria: Invitae Variant Classification Sherloc (09022015). Collection method: clinical testing. Allele origin: germline.
Comment: This sequence change replaces proline, which is neutral and non-polar, with leucine, which is neutral and non-polar, at codon 113 of the COL9A2 protein (p.Pro113Leu). This variant is present in population databases (rs763825965, gnomAD 0.008%). This variant has not been reported in the literature in individuals affected with COL9A2-related conditions. ClinVar contains an entry for this variant (Variation ID: 1974080). Experimental studies and prediction algorithms are not available or were not evaluated, and the functional significance of this variant is currently unknown. In summary, the available evidence is currently insufficient to determine the role of this variant in disease. Therefore, it has been classified as a Variant of Uncertain Significance.

Ambry Genetics
Classification: Uncertain significance for Inborn genetic diseases. Last evaluated: 2023-12-27. Review status: criteria provided, single submitter. Criteria: Ambry Variant Classification Scheme 2023. Collection method: clinical testing. Allele origin: germline.